The following is an entry in ClinVar:

NM_015114.3(ANKLE2):c.1979A>T (p.Asn660Ile)

Gene: ANKLE2 (ankyrin repeat and LEM domain containing 2; minus strand). Cytogenetic location: 12q24.33.
Variant type: single nucleotide variant.
Coding change: c.1979A>T on transcript NM_015114.3 (MANE Select); coding-DNA position 1979, A replaced by T.
Protein change: p.Asn660Ile; replaces asparagine 660 with isoleucine.
Molecular consequence: missense variant.
Genome position (GRCh38, 1-based): chr12:132,730,183, T>A on the plus strand (A>T on the coding strand, the complement: ANKLE2 is on the minus strand). VCF-style: chr12-132730183-T-A. GRCh37 (hg19) VCF-style: chr12-133306769-T-A.
Other names: c.1979A>T (NM_015114.1); short protein forms N660I.
Identifiers: ClinVar variation 1305914 (VCV001305914.5), dbSNP rs765495030, ClinGen allele CA6895364.

ClinVar aggregate classification (germline): Uncertain significance. Review status: criteria provided, multiple submitters, no conflicts (2 of 4 stars). 2 submissions from 2 submitters: Uncertain significance (2). Last evaluated 2025-06-30.

Conditions:
Inborn genetic diseases. Identifiers: MedGen C0950123, MeSH D030342.

Allele frequency attached by ClinVar (database versions not stated): gnomAD 0.00009 and 0.00010; gnomAD exomes 0.00009 and 0.00012; TOPMed 0.00009; ExAC 0.00010.

Submissions (2):

Ambry Genetics
Classification: Uncertain significance for Inborn genetic diseases. Last evaluated: 2025-06-30. Review status: criteria provided, single submitter. Criteria: Ambry Variant Classification Scheme 2023. Collection method: clinical testing. Allele origin: germline.

GeneDx
Classification: Uncertain significance. Last evaluated: 2019-05-17. Review status: criteria provided, single submitter. Criteria: GeneDx Variant Classification Process June 2021. Collection method: clinical testing. Allele origin: germline. Affected: yes.
Comment: In silico analysis, which includes protein predictors and evolutionary conservation, supports a deleterious effect; Has not been previously published as pathogenic or benign to our knowledge